The following is an entry in ClinVar:

NM_025000.4(DCAF17):c.1425A>G (p.Thr475=)

Gene: DCAF17 (DDB1 and CUL4 associated factor 17; plus strand). Cytogenetic location: 2q31.1.
Variant type: single nucleotide variant.
Coding change: c.1425A>G on transcript NM_025000.4 (MANE Select); coding-DNA position 1425, A replaced by G.
Protein change: p.Thr475=; no amino-acid change (threonine 475 retained).
Molecular consequence: synonymous variant. On other transcripts: non-coding transcript variant (1).
Genome position (GRCh38, 1-based): chr2:171,480,976, A>G. VCF-style: chr2-171480976-A-G. GRCh37 (hg19) VCF-style: chr2-172337486-A-G.
Other names: c.1224A>G, p.Thr408= (NM_001164821.2).
Identifiers: ClinVar variation 2651542 (VCV002651542.27), dbSNP rs1272728916, ClinGen allele CA429778649.
Genomic context (GRCh38, chr2:171,480,976, plus strand): 5'-ACACAGTAGTGAATATGGCTGTGTGAAAAGGACTCCATATGATTGTGTTTTGTTACAGAC[A>G]TATAGCCATGAAGTCTACTTTGACAGAGACTTGGTGCTACACATAGAGCAGAAACCCAAC-3'
Protein context (NP_079276.2, residues 465-485): SIPLVESWDV[Thr475=]YSHEVYFDRD

ClinVar aggregate classification (germline): Likely benign. Review status: criteria provided, multiple submitters, no conflicts (2 of 4 stars). 2 submissions from 2 submitters: Likely benign (2). Last evaluated 2023-07-08.

Conditions:
Woodhouse-Sakati syndrome. Also called: Hypogonadism, Alopecia, Diabetes Mellitus, Mental Retardation, and Extrapyramidal Syndrome; Hypogonadism, diabetes mellitus, alopecia, mental retardation and electrocardiographic abnormalities; EXTRAPYRAMIDAL DISORDER, PROGRESSIVE, WITH PRIMARY HYPOGONADISM, MENTAL RETARDATION, AND ALOPECIA. Identifiers: Orphanet 3464, MedGen C0342286, MONDO:0009419, OMIM 241080.

Allele frequency attached by ClinVar (database versions not stated): gnomAD exomes below 0.00001; TOPMed below 0.00001.
gnomAD v4.1: 2 of 1,613,746 alleles (0.00012%); highest among the groups gnomAD compares: Non-Finnish European, 0.00017%; no homozygotes.

Submissions (2):

Labcorp Genetics (formerly Invitae), Labcorp
Classification: Likely benign for Woodhouse-Sakati syndrome. Last evaluated: 2023-07-08. Review status: criteria provided, single submitter. Criteria: Invitae Variant Classification Sherloc (09022015). Collection method: clinical testing. Allele origin: germline.

CeGaT Center for Human Genetics Tuebingen
Classification: Likely benign. Last evaluated: 2023-05-01. Review status: criteria provided, single submitter. Criteria: CeGaT Center For Human Genetics Tuebingen Variant Classification Criteria Version 2. Collection method: clinical testing. Allele origin: germline. Affected: yes. Observed: 1 variant allele.
Comment: DCAF17: BP4, BP7